The following is an entry in ClinVar:

ClinVar aggregate classification (germline): Likely benign. Review status: criteria provided, single submitter (1 of 4 stars). 2 submissions from 2 submitters: Likely benign (1). 1 of the submissions does not count toward it. Last evaluated 2024-10-16.

Conditions:
IRF3-related disorder. Also called: IRF3-related condition.

Allele frequency attached by ClinVar (database versions not stated): gnomAD exomes 0.00011; 1000 Genomes Project 30x 0.00031; ExAC 0.00031; 1000 Genomes Project 0.00040; gnomAD 0.00097; TOPMed 0.00112; ESP Exome Variant Server 0.00123.
gnomAD v4.1: 316 of 1,613,928 alleles (0.02%); highest among the groups gnomAD compares: African/African-American, 0.32%; no homozygotes.

Submissions (2):

Blueprint Genetics
Classification: Likely benign. Last evaluated: 2024-10-16. Review status: criteria provided, single submitter. Criteria: ACMG Guidelines, 2015. Collection method: clinical testing. Allele origin: germline.

PreventionGenetics, part of Exact Sciences
Classification: Likely benign for IRF3-related condition. Last evaluated: 2023-10-18. Review status: no assertion criteria provided. Collection method: clinical testing. Allele origin: germline. Not counted in ClinVar's aggregate classification.
Comment: This variant is classified as likely benign based on ACMG/AMP sequence variant interpretation guidelines (Richards et al. 2015 PMID: 25741868, with internal and published modifications).

NM_001571.6(IRF3):c.1215C>T (p.Ser405=)

Gene: IRF3 (interferon regulatory factor 3; minus strand). Cytogenetic location: 19q13.33.
Variant type: single nucleotide variant.
Coding change: c.1215C>T on transcript NM_001571.6 (MANE Select); coding-DNA position 1215, C replaced by T.
Protein change: p.Ser405=; no amino-acid change (serine 405 retained).
Molecular consequence: synonymous variant. On other transcripts: nonsense (1), non-coding transcript variant (1).
Genome position (GRCh38, 1-based): chr19:49,659,717, G>A on the plus strand (C>T on the coding strand, the complement: IRF3 is on the minus strand). VCF-style: chr19-49659717-G-A. GRCh37 (hg19) VCF-style: chr19-50162974-G-A.
Other names: c.1231C>T, p.Arg411Ter (NM_001197122.2); c.1110C>T, p.Ser370= (NM_001197123.2); c.834C>T, p.Ser278= (NM_001197124.2); c.777C>T, p.Ser259= (NM_001197125.2, NM_001197126.2); c.396C>T, p.Ser132= (NM_001197127.2, NM_001197128.2); short protein forms R411*.
Identifiers: ClinVar variation 3047399 (VCV003047399.3), dbSNP rs149842990, ClinGen allele CA9580215.
Genomic context (GRCh38, chr19:49,659,717, plus strand): 5'-CCCAGGGCCCTGGAAATCCATGCCCTCCACCAAGTCCTGCAGGTAGGCCTTGTACTGGTC[G>A]GAGGTGAGGGAGAGTGGGTGGCTGTTGGAAATGTGCAGGTCCACAGTATTCTCCAGGGAG-3'
Protein context (NP_001562.1, residues 395-415): ISNSHPLSLT[Ser405=]DQYKAYLQDL